The following is an entry in ClinVar:

ClinVar aggregate classification (germline): Uncertain significance (1 of 4 stars; one submission).

Conditions:
Focal segmental glomerulosclerosis 5 (FSGS5). Identifiers: Orphanet 656, MedGen C2750475, MONDO:0013191, OMIM 613237.
Charcot-Marie-Tooth disease dominant intermediate E. Also called: CHARCOT-MARIE-TOOTH NEUROPATHY WITH FOCAL SEGMENTAL GLOMERULONEPHRITIS. Identifiers: Orphanet 93114, MedGen C4302667, MONDO:0013758, OMIM 614455.

Allele frequency attached by ClinVar (database versions not stated): gnomAD exomes below 0.00001.
gnomAD v4.1: 1 of 1,606,626 alleles (0.000062%); highest among the groups gnomAD compares: African/African-American, 0.0013%; no homozygotes.

Submission:

Labcorp Genetics (formerly Invitae), Labcorp
Classification: Uncertain significance for Charcot-Marie-Tooth disease dominant intermediate E; Focal segmental glomerulosclerosis 5. Last evaluated: 2025-06-12. Review status: criteria provided, single submitter. Criteria: Invitae Variant Classification Sherloc (09022015). Collection method: clinical testing. Allele origin: germline.
Comment: This sequence change replaces glutamic acid, which is acidic and polar, with glutamine, which is neutral and polar, at codon 535 of the INF2 protein (p.Glu535Gln). This variant is not present in population databases (gnomAD no frequency). This variant has not been reported in the literature in individuals affected with INF2-related conditions. ClinVar contains an entry for this variant (Variation ID: 1369324). Invitae Evidence Modeling of protein sequence and biophysical properties (such as structural, functional, and spatial information, amino acid conservation, physicochemical variation, residue mobility, and thermodynamic stability) indicates that this missense variant is not expected to disrupt INF2 protein function with a negative predictive value of 95%. In summary, the available evidence is currently insufficient to determine the role of this variant in disease. Therefore, it has been classified as a Variant of Uncertain Significance.

NM_022489.4(INF2):c.1603G>C (p.Glu535Gln)

Gene: INF2 (inverted formin 2; plus strand). Cytogenetic location: 14q32.33.
Variant type: single nucleotide variant.
Coding change: c.1603G>C on transcript NM_022489.4 (MANE Select); coding-DNA position 1603, G replaced by C.
Protein change: p.Glu535Gln; replaces glutamic acid 535 with glutamine.
Molecular consequence: missense variant.
Genome position (GRCh38, 1-based): chr14:104,707,870, G>C. VCF-style: chr14-104707870-G-C. GRCh37 (hg19) VCF-style: chr14-105174207-G-C.
Other names: c.1603G>C, p.Glu535Gln (NM_001031714.4); short protein forms E535Q.
Identifiers: ClinVar variation 1369324 (VCV001369324.8), dbSNP rs2140669798, ClinGen allele CA391217684.